The following is an entry in ClinVar:

NM_032444.4(SLX4):c.1925-176G>A

Gene: SLX4 (SLX4 structure-specific endonuclease subunit; minus strand). Cytogenetic location: 16p13.3.
Variant type: single nucleotide variant.
Coding change: c.1925-176G>A on transcript NM_032444.4 (MANE Select); 176 bases into the intron before coding-DNA position 1925, G replaced by A.
Molecular consequence: intron variant.
Genome position (GRCh38, 1-based): chr16:3,595,869, C>T on the plus strand (G>A on the coding strand, the complement: SLX4 is on the minus strand). VCF-style: chr16-3595869-C-T. GRCh37 (hg19) VCF-style: chr16-3645870-C-T.
Other names: NC_000016.9:g.3645870C>T.
Identifiers: ClinVar variation 4411741 (VCV004411741.3).

ClinVar aggregate classification (germline): Uncertain significance (1 of 4 stars; one submission).

gnomAD v4.1: 202 of 152,324 alleles (0.13%); highest among the groups gnomAD compares: Non-Finnish European, 0.24%; no homozygotes.

Submissions (2):

Dasa
Classification: Uncertain significance. Last evaluated: 2026-03-25. Review status: criteria provided, single submitter. Criteria: DASA Assertion Criteria. Collection method: clinical testing. Allele origin: germline.
Comment: NM_032444.4(SLX4):c.1925-176G>A is an intronic variant. This classification is supported by population frequency inconsistent with a disease-causing role. The currently available literature and clinical evidence are not sufficient to establish a definitive association between this variant and the reported condition. Therefore, this variant is classified as a variant of uncertain significance.

Dr. Peter K. Rogan Lab, Western University
No classification provided (evidence only). Condition: Acute myeloid leukemia. Review status: no classification provided. Collection method: in vitro. Allele origin: not applicable. Functional consequence: retained intron. Not counted in ClinVar's aggregate classification.